The following is an entry in ClinVar:

NM_032043.3(BRIP1):c.3141G>A (p.Leu1047=)

Gene: BRIP1 (BRCA1 interacting DNA helicase 1; minus strand). Cytogenetic location: 17q23.2.
Variant type: single nucleotide variant.
Coding change: c.3141G>A on transcript NM_032043.3 (MANE Select); coding-DNA position 3141, G replaced by A.
Protein change: p.Leu1047=; no amino-acid change (leucine 1047 retained).
Molecular consequence: synonymous variant.
Genome position (GRCh38, 1-based): chr17:61,683,905, C>T on the plus strand (G>A on the coding strand, the complement: BRIP1 is on the minus strand). VCF-style: chr17-61683905-C-T. GRCh37 (hg19) VCF-style: chr17-59761266-C-T.
Identifiers: ClinVar variation 2922157 (VCV002922157.4), dbSNP rs2061318568, ClinGen allele CA501335347.

ClinVar aggregate classification (germline): Benign/Likely benign. Review status: criteria provided, multiple submitters, no conflicts (2 of 4 stars). 2 submissions from 2 submitters: Benign (1); Likely benign (1). Last evaluated 2024-09-09.

Conditions:
Fanconi anemia complementation group J. Also called: BRIP1-Related Fanconi Anemia. Identifiers: Orphanet 84, MedGen C1836860, MONDO:0012187, OMIM 609054.
Familial cancer of breast. Also called: hereditary breast carcinoma; BREAST CANCER, FAMILIAL; Hereditary breast cancer. Identifiers: Orphanet 227535, MedGen C0346153, MONDO:0016419, OMIM 114480. Disease mechanism: loss of function.

Submissions (2):

Myriad Genetics, Inc.
Classification: Benign for Familial cancer of breast. Last evaluated: 2024-09-09. Review status: criteria provided, single submitter. Criteria: Myriad Autosomal Dominant, Autosomal Recessive and X-Linked Classification Criteria (2023). Collection method: clinical testing. Allele origin: unknown.
Comment: This variant is considered benign. This variant is a silent/synonymous amino acid change and it is not expected to impact splicing.

Labcorp Genetics (formerly Invitae), Labcorp
Classification: Likely benign for Familial cancer of breast; Fanconi anemia complementation group J. Last evaluated: 2023-02-14. Review status: criteria provided, single submitter. Criteria: Invitae Variant Classification Sherloc (09022015). Collection method: clinical testing. Allele origin: germline.